The following is an entry in ClinVar:

NM_000245.4(MET):c.4068T>G (p.Tyr1356Ter)

Gene: MET (MET proto-oncogene, receptor tyrosine kinase; plus strand). Cytogenetic location: 7q31.2.
Variant type: single nucleotide variant.
Coding change: c.4068T>G on transcript NM_000245.4 (MANE Select); coding-DNA position 4068, T replaced by G.
Protein change: p.Tyr1356Ter; replaces tyrosine 1356 with a stop codon.
Molecular consequence: nonsense.
Genome position (GRCh38, 1-based): chr7:116,796,019, T>G. VCF-style: chr7-116796019-T-G. GRCh37 (hg19) VCF-style: chr7-116436073-T-G.
Other names: c.4122T>G, p.Tyr1374Ter (NM_001127500.3); c.2778T>G, p.Tyr926Ter (NM_001324402.2); short protein forms Y1374*, Y1356*, Y926*.
Identifiers: ClinVar variation 2562480 (VCV002562480.3), dbSNP rs767214353, ClinGen allele CA369118329.
Genomic context (GRCh38, chr7:116,796,019, plus strand): 5'-GATATCAGCGATCTTCTCTACTTTCATTGGGGAGCACTATGTCCATGTGAACGCTACTTA[T>G]GTGAACGTAAAATGTGTCGCTCCGTATCCTTCTCTGTTGTCATCAGAAGATAACGCTGAT-3'

ClinVar aggregate classification (germline): Uncertain significance (1 of 4 stars; one submission).

Conditions:
Hereditary cancer-predisposing syndrome. Also called: Hereditary Cancer Syndrome; Hereditary neoplastic syndrome; Neoplastic Syndromes, Hereditary; Tumor predisposition. Identifiers: Orphanet 140162, MedGen C0027672, MeSH D009386, MONDO:0015356.

Submission:

Ambry Genetics
Classification: Uncertain significance for Hereditary cancer-predisposing syndrome. Last evaluated: 2026-08-06. Review status: criteria provided, single submitter. Criteria: Ambry Variant Classification Scheme 2023. Collection method: clinical testing. Allele origin: germline.
Comment: The p.Y1374* variant (also known as c.4122T>G), located in coding exon 20 of the MET gene, results from a T to G substitution at nucleotide position 4122. This changes the amino acid from a tyrosine to a stop codon within coding exon 20. This variant occurs at the 3' terminus of the gene and is not expected to trigger nonsense-mediated mRNA decay. Based on the available evidence, the clinical significance of this variant remains unclear.